The following is an entry in ClinVar:

ClinVar aggregate classification (germline): Benign/Likely benign. Review status: criteria provided, multiple submitters, no conflicts (2 of 4 stars). 6 submissions from 6 submitters: Benign (1); Likely benign (5). Last evaluated 2025-12-09.

Conditions:
FH-related disorder. Also called: FH-related disorders; FH-related condition.
Hereditary cancer-predisposing syndrome. Also called: Tumor predisposition; Hereditary neoplastic syndrome; Neoplastic Syndromes, Hereditary; Hereditary Cancer Syndrome. Identifiers: Orphanet 140162, MedGen C0027672, MeSH D009386, MONDO:0015356.
Hereditary leiomyomatosis and renal cell cancer. Also called: Familial leiomyomatosis; MULTIPLE CUTANEOUS AND UTERINE LEIOMYOMATA 1, WITH OR WITHOUT RENAL CELL CARCINOMA; FH tumor predisposition syndrome; LEIOMYOMA, MULTIPLE CUTANEOUS; Reed syndrome; Multiple cutaneous and uterine leiomyomatosis. Identifiers: Orphanet 523, MedGen C1708350, MONDO:0007888, OMIM 150800, HP:0007437. Disease mechanism: loss of function.

Allele frequency attached by ClinVar (database versions not stated): ExAC 0.00001; gnomAD 0.00001; gnomAD exomes 0.00001 and 0.00003; TOPMed 0.00001; ESP Exome Variant Server 0.00008.
gnomAD v4.1: 49 of 1,613,478 alleles (0.003%); highest among the groups gnomAD compares: East Asian, 0.0067%; no homozygotes.

Submissions (6):

Labcorp Genetics (formerly Invitae), Labcorp
Classification: Likely benign. Last evaluated: 2025-12-09. Review status: criteria provided, single submitter. Criteria: Invitae Variant Classification Sherloc (09022015). Collection method: clinical testing. Allele origin: germline.

Quest Diagnostics Nichols Institute San Juan Capistrano
Classification: Likely benign. Last evaluated: 2025-08-28. Review status: criteria provided, single submitter. Criteria: Quest Diagnostics criteria. Collection method: clinical testing. Allele origin: unknown.

PreventionGenetics, part of Exact Sciences
Classification: Likely benign for FH-related condition. Last evaluated: 2024-12-23. Review status: criteria provided, single submitter. Criteria: ACMG Guidelines, 2015. Collection method: clinical testing. Allele origin: germline.
Comment: This variant is classified as likely benign based on ACMG/AMP sequence variant interpretation guidelines (Richards et al. 2015 PMID: 25741868, with internal and published modifications).

Myriad Genetics, Inc.
Classification: Benign for Hereditary leiomyomatosis and renal cell cancer. Last evaluated: 2024-10-22. Review status: criteria provided, single submitter. Criteria: Myriad Autosomal Dominant, Autosomal Recessive and X-Linked Classification Criteria (2023). Collection method: clinical testing. Allele origin: unknown.
Comment: This variant is considered benign. This variant is a silent/synonymous amino acid change and it is not expected to impact splicing.

Blueprint Genetics
Classification: Likely benign. Last evaluated: 2022-11-01. Review status: criteria provided, single submitter. Criteria: ACMG Guidelines, 2015. Collection method: clinical testing. Allele origin: germline.

Ambry Genetics
Classification: Likely benign for Hereditary cancer-predisposing syndrome. Last evaluated: 2017-12-12. Review status: criteria provided, single submitter. Criteria: Ambry Variant Classification Scheme 2023. Collection method: clinical testing. Allele origin: germline.

NM_000143.4(FH):c.1461C>T (p.Ile487=)

Gene: FH (fumarate hydratase; minus strand). Cytogenetic location: 1q43.
Variant type: single nucleotide variant.
Coding change: c.1461C>T on transcript NM_000143.4 (MANE Select); coding-DNA position 1461, C replaced by T.
Protein change: p.Ile487=; no amino-acid change (isoleucine 487 retained).
Molecular consequence: synonymous variant.
Genome position (GRCh38, 1-based): chr1:241,497,900, G>A on the plus strand (C>T on the coding strand, the complement: FH is on the minus strand). VCF-style: chr1-241497900-G-A. GRCh37 (hg19) VCF-style: chr1-241661200-G-A.
Identifiers: ClinVar variation 460343 (VCV000460343.19), dbSNP rs377091029, ClinGen allele CA1478434.